The following is an entry in ClinVar:

ClinVar aggregate classification (germline): Uncertain significance. Review status: criteria provided, multiple submitters, no conflicts (2 of 4 stars). 4 submissions from 4 submitters: Uncertain significance (4). Last evaluated 2025-12-10.

Conditions:
LZTR1-related schwannomatosis. Also called: Schwannomatosis 2; Schwannomatosis-2, susceptibility to. Identifiers: Orphanet 93921, MedGen C3810283, MONDO:0014299, OMIM 615670.
Hereditary cancer-predisposing syndrome. Also called: Tumor predisposition; Hereditary neoplastic syndrome; Neoplastic Syndromes, Hereditary; Hereditary Cancer Syndrome. Identifiers: Orphanet 140162, MedGen C0027672, MeSH D009386, MONDO:0015356.
Cardiovascular phenotype. Identifiers: MedGen CN230736.

Allele frequency attached by ClinVar (database versions not stated): gnomAD exomes 0.00001.

Submissions (4):

Labcorp Genetics (formerly Invitae), Labcorp
Classification: Uncertain significance. Last evaluated: 2025-12-10. Review status: criteria provided, single submitter. Criteria: Invitae Variant Classification Sherloc (09022015). Collection method: clinical testing. Allele origin: germline.
Comment: This sequence change replaces arginine, which is basic and polar, with glutamine, which is neutral and polar, at codon 435 of the LZTR1 protein (p.Arg435Gln). This variant is present in population databases (no rsID available, gnomAD 0.0009%). This variant has not been reported in the literature in individuals affected with LZTR1-related conditions. ClinVar contains an entry for this variant (Variation ID: 1007796). Invitae Evidence Modeling of protein sequence and biophysical properties (such as structural, functional, and spatial information, amino acid conservation, physicochemical variation, residue mobility, and thermodynamic stability) indicates that this missense variant is not expected to disrupt LZTR1 protein function with a negative predictive value of 80%. In summary, the available evidence is currently insufficient to determine the role of this variant in disease. Therefore, it has been classified as a Variant of Uncertain Significance.

Ambry Genetics
Classification: Uncertain significance for Cardiovascular phenotype; Hereditary cancer-predisposing syndrome. Last evaluated: 2025-04-09. Review status: criteria provided, single submitter. Criteria: Ambry Variant Classification Scheme 2023. Collection method: clinical testing. Allele origin: germline.

GeneDx
Classification: Uncertain significance. Last evaluated: 2024-10-15. Review status: criteria provided, single submitter. Criteria: GeneDx Variant Classification Process June 2021. Collection method: clinical testing. Allele origin: germline. Affected: yes.
Comment: Not observed at significant frequency in large population cohorts (gnomAD); In silico analysis indicates that this missense variant does not alter protein structure/function; Has not been previously published as pathogenic or benign to our knowledge

Baylor Genetics
Classification: Uncertain significance for LZTR1-related schwannomatosis. Last evaluated: 2023-09-27. Review status: criteria provided, single submitter. Criteria: ACMG Guidelines, 2015. Collection method: clinical testing. Allele origin: unknown.

NM_006767.4(LZTR1):c.1304G>A (p.Arg435Gln)

Gene: LZTR1 (leucine zipper like post translational regulator 1; plus strand). Cytogenetic location: 22q11.21.
Variant type: single nucleotide variant.
Coding change: c.1304G>A on transcript NM_006767.4 (MANE Select); coding-DNA position 1304, G replaced by A.
Protein change: p.Arg435Gln; replaces arginine 435 with glutamine.
Molecular consequence: missense variant.
Genome position (GRCh38, 1-based): chr22:20,993,705, G>A. VCF-style: chr22-20993705-G-A. GRCh37 (hg19) VCF-style: chr22-21347994-G-A.
Other names: short protein forms R435Q.
Identifiers: ClinVar variation 1007796 (VCV001007796.14), dbSNP rs1157807812, ClinGen allele CA410774472.
Genomic context (GRCh38, chr22:20,993,705, plus strand): 5'-CTGGGCCCCTCTTGCAGTTCTCCTGTTACCCTAAATGCACGCTGCACGAGGACTACGGGC[G>A]GCTGTGGGAGAGCCGCCAGTTCTGCGACGTGGAGTTCGTGCTGGGTGAGGTGGGTGCCTG-3'
Protein context (NP_006758.2, residues 425-445): PKCTLHEDYG[Arg435Gln]LWESRQFCDV